The following is an entry in ClinVar:

ClinVar aggregate classification (germline): Likely benign (0 of 4 stars; one submission).

Conditions:
TRAF7-related disorder. Also called: TRAF7-related condition.

Submission:

PreventionGenetics, part of Exact Sciences
Classification: Likely benign for TRAF7-related condition. Last evaluated: 2019-08-08. Review status: no assertion criteria provided. Collection method: clinical testing. Allele origin: germline.
Comment: This variant is classified as likely benign based on ACMG/AMP sequence variant interpretation guidelines (Richards et al. 2015 PMID: 25741868, with internal and published modifications).

NM_032271.3(TRAF7):c.1346+9_1346+33del

Gene: TRAF7 (TNF receptor associated factor 7; plus strand). Cytogenetic location: 16p13.3.
Variant type: Deletion.
Coding change: c.1346+9_1346+33del on transcript NM_032271.3 (MANE Select); bases 9 to 33 of the intron after coding-DNA position 1346, 25 bases deleted (AGGCACATGTGTGATCAGTGATTCC).
Molecular consequence: intron variant.
Genome position (GRCh38, 1-based): chr16:2,174,342-2,174,366, AGGCACATGTGTGATCAGTGATTCC deleted; deleting any 25 consecutive bases within chr16:2,174,339-2,174,366 gives the same sequence; the c. name uses the placement nearest the transcript's 3' end. VCF-style (leftmost placement, unchanged base first): chr16-2174338-GTCCAGGCACATGTGTGATCAGTGAT-G. GRCh37 (hg19) VCF-style: chr16-2224339-GTCCAGGCACATGTGTGATCAGTGAT-G.
Identifiers: ClinVar variation 3039686 (VCV003039686.2), dbSNP rs558445749, ClinGen allele CA7834941.